The following is an entry in ClinVar:

ClinVar aggregate classification (germline): Pathogenic/Likely pathogenic. Review status: criteria provided, multiple submitters, no conflicts (2 of 4 stars). 3 submissions from 3 submitters: Pathogenic (2); Likely pathogenic (1). Last evaluated 2026-03-02.

Conditions:
Long QT syndrome (LQTS). Identifiers: MedGen C0023976, MeSH D008133, MONDO:0002442. Disease mechanism: loss of function. Inheritance: Various modes of inheritance.
Long QT syndrome 1 (LQT1). Identifiers: Orphanet 101016, Orphanet 768, MedGen C4551647, MONDO:0100316, OMIM 192500, MONDO:0008646.

Submissions (3):

Victorian Clinical Genetics Services, Murdoch Childrens Research Institute
Classification: Pathogenic for Long QT syndrome 1. Last evaluated: 2026-03-02. Review status: criteria provided, single submitter. Criteria: ACMG Guidelines, 2015. Collection method: clinical testing. Allele origin: germline. Affected: yes.
Comment: This variant is classified as Pathogenic. Evidence in support of pathogenic classification: Variant is predicted to result in a truncated protein (premature termination codon is NOT located at least 54 nucleotides upstream of the final exon-exon junction) with less than 1/3 of the protein sequence affected; Variant is absent from gnomAD (v2, v3 and v4); This variant has limited previous evidence of pathogenicity in unrelated individual(s). This variant has been classified as likely pathogenic and pathogenic by clinical laboratories in ClinVar; Other downstream protein truncating variant(s) comparable to the one identified in this case have strong previous evidence for pathogenicity (DECIPHER, VCGS cohort). Additional information: This variant is heterozygous; This gene is known to be associated with both recessive and dominant disease. JLNS is characterised by congenital, bilateral deafness and variable degrees of QT prolongation, and is the only condition caused by biallelic variants (PMID: 28438721); No published evidence of segregation with disease has been identified for this variant; No published functional evidence has been identified for this variant; Dominant negative, loss of function and gain of function are known mechanisms of disease in this gene. Gain of function variants result exclusively in short QT syndrome 2 (MIM#609621), while dominant negative and loss of function variants can cause long QT syndrome 1 (LQTS, MIM#192500), familial atrial fibrillation 3 (MIM#607554) as well as Jervell and Lange-Nielsen syndrome (JLNS, MIM#220400) (OMIM, PMIDs: 19632626, 28438721); The condition associated with this gene has incomplete penetrance (OMIM, PMID: 20301308); Inheritance information for this variant is not currently available in this individual.

GeneDx
Classification: Likely pathogenic. Last evaluated: 2025-09-16. Review status: criteria provided, single submitter. Criteria: GeneDx Variant Classification Process June 2021. Collection method: clinical testing. Allele origin: germline. Affected: yes.
Comment: Has not been previously published as pathogenic or benign to our knowledge; Frameshift variant predicted to result in protein truncation, as the last 51 amino acids are replaced with 25 different amino acids, and other loss-of-function variants have been reported downstream in HGMD; Not observed at significant frequency in large population cohorts (gnomAD)

Labcorp Genetics (formerly Invitae), Labcorp
Classification: Pathogenic for Long QT syndrome. Last evaluated: 2021-03-07. Review status: criteria provided, single submitter. Criteria: Invitae Variant Classification Sherloc (09022015). Collection method: clinical testing. Allele origin: germline.
Comment: This sequence change creates a premature translational stop signal (p.Gly626Argfs*26) in the KCNQ1 gene. While this is not anticipated to result in nonsense mediated decay, it is expected to disrupt the last 51 amino acid(s) of the KCNQ1 protein. This variant is not present in population databases (ExAC no frequency). This variant has not been reported in the literature in individuals with KCNQ1-related conditions. This variant disrupts the C-terminus of the KCNQ1 protein. Other variant(s) that disrupt this region (p.Arg632Glnfs*20) have been determined to be pathogenic (PMID: 10024302, 23098067, 23631430, 25187895, 19825999, 16981927). This suggests that variants that disrupt this region of the protein are likely to be causative of disease. For these reasons, this variant has been classified as Pathogenic.

Literature cited by the submitters: PubMed 20301308 (cited by Victorian Clinical Genetics Services, Murdoch Childrens Research Institute); PubMed 19632626 (cited by Victorian Clinical Genetics Services, Murdoch Childrens Research Institute); PubMed 28438721 (cited by Victorian Clinical Genetics Services, Murdoch Childrens Research Institute); PubMed 10024302 (cited by Labcorp Genetics (formerly Invitae), Labcorp); PubMed 23098067 (cited by Labcorp Genetics (formerly Invitae), Labcorp); PubMed 23631430 (cited by Labcorp Genetics (formerly Invitae), Labcorp); PubMed 25187895 (cited by Labcorp Genetics (formerly Invitae), Labcorp); PubMed 19825999 (cited by Labcorp Genetics (formerly Invitae), Labcorp); PubMed 16981927 (cited by Labcorp Genetics (formerly Invitae), Labcorp).

NM_000218.3(KCNQ1):c.1875dup (p.Gly626fs)

Genes: KCNQ1 (potassium voltage-gated channel subfamily Q member 1; plus strand), KCNQ1-AS1 (KCNQ1 antisense RNA 1; minus strand). Cytogenetic location: 11p15.4.
Variant type: Duplication.
Coding change: c.1875dup on transcript NM_000218.3 (MANE Select); coding-DNA position 1875, one base duplicated (C; older notation c.1875dupC).
Protein change: p.Gly626fs; shifts the reading frame from glycine 626.
Molecular consequence: frameshift variant.
Genome position (GRCh38, 1-based): chr11:2,847,847, C duplicated; the last of 5 consecutive C bases (chr11:2,847,843-2,847,847); duplicating any one gives the same sequence. VCF-style (leftmost placement, unchanged base first): chr11-2847842-A-AC. GRCh37 (hg19) VCF-style: chr11-2869072-A-AC.
Other names: c.1779dup, p.Gly594Argfs (NM_001406836.1); c.1605dup, p.Gly536Argfs (NM_001406837.1); c.1335dup, p.Gly446Argfs (NM_001406838.1); c.387dup, p.Gly130Argfs (NM_001406839.1); c.1494dup, p.Gly499Argfs (NM_181798.2); short protein forms G499fs, G626fs.
Identifiers: ClinVar variation 1306529 (VCV001306529.17), dbSNP rs2134097007, ClinGen allele CA2573053486.